The following is an entry in ClinVar:

ClinVar aggregate classification (germline): Likely pathogenic. Review status: reviewed by expert panel (3 of 4 stars). 3 submissions from 3 submitters: Likely pathogenic (1). 2 of the submissions do not count toward it. Last evaluated 2026-05-05.

Conditions:
Glycogen storage disease, type II (IOPD). Also called: Glucosidase acid-1,4-alpha deficiency; Pompe Disease; CARDIOMEGALIA GLYCOGENICA DIFFUSA; GLYCOGENOSIS, GENERALIZED, CARDIAC FORM; GSD II; Glycogen storage disease type 2. Identifiers: Orphanet 365, MedGen C0017921, MONDO:0009290, OMIM 232300.

Submissions (3):

ClinGen Lysosomal Storage Disorder Variant Curation Expert Panel
Classification: Likely pathogenic for Glycogen storage disease, type II. Last evaluated: 2026-05-05. Review status: reviewed by expert panel. Criteria: clingen_lsd_acmg_specifications_v2-1. Collection method: curation. Allele origin: germline. Inheritance: Autosomal recessive inheritance.
Comment: The NM_000152.5:c.471del (p.Thr158ProfsTer8) variant in GAA is a frameshift variant predicted to cause a premature stop codon in exon 2 out of a total of 20 exons, leading to nonsense mediated decay in a gene in which loss-of-function is an established disease mechanism (PVS1). This variant is not in gnomAD v4.1.0. (PM2_Supporting). To our knowledge, this variant has not been reported in patients with Pompe disease in the literature, and results of functional studies are not available. There is a ClinVar entry for this variant (Variation ID: 371501). The classification of this variant has been upgraded from Variant of Uncertain Significance to Likely Pathogenic based on the recommendations of the ClinGen Sequence Variant Interpretation Working Group, that a variant meeting PVS1 and PM2_Supporting is classified as Likely Pathogenic. In summary, this variant meets the criteria to be classified as Likely Pathogenic for Pompe disease. GAA-specific ACMG/AMP criteria met, based on the specifications of the ClinGen Lysosomal Diseases VCEP (Specifications Version 2.0): PVS1, PM2_Supporting. (Classification approved by the ClinGen Lysosomal Diseases Variant Curation Expert Panel, May 5, 2026).

Labcorp Genetics (formerly Invitae), Labcorp
Classification: Pathogenic for Glycogen storage disease, type II. Last evaluated: 2022-08-31. Review status: criteria provided, single submitter. Criteria: Invitae Variant Classification Sherloc (09022015). Collection method: clinical testing. Allele origin: germline. Not counted in ClinVar's aggregate classification.
Comment: For these reasons, this variant has been classified as Pathogenic. ClinVar contains an entry for this variant (Variation ID: 371501). This variant has not been reported in the literature in individuals affected with GAA-related conditions. This variant is not present in population databases (gnomAD no frequency). This sequence change creates a premature translational stop signal (p.Thr158Profs*8) in the GAA gene. It is expected to result in an absent or disrupted protein product. Loss-of-function variants in GAA are known to be pathogenic (PMID: 18425781, 22252923).

Counsyl
Classification: Likely pathogenic for Glycogen storage disease, type II. Last evaluated: 2016-10-05. Review status: no assertion criteria provided. Collection method: clinical testing. Allele origin: unknown. Not counted in ClinVar's aggregate classification.

Literature cited by the submitters: PubMed 18425781 (cited by Labcorp Genetics (formerly Invitae), Labcorp); PubMed 22252923 (cited by Labcorp Genetics (formerly Invitae), Labcorp).

NM_000152.5(GAA):c.471del (p.Thr158fs)

Gene: GAA (alpha glucosidase; plus strand). Cytogenetic location: 17q25.3.
Variant type: Deletion.
Coding change: c.471del on transcript NM_000152.5 (MANE Select); coding-DNA position 471, one base deleted (C; older notation c.471delC).
Protein change: p.Thr158fs; shifts the reading frame from threonine 158.
Molecular consequence: frameshift variant.
Genome position (GRCh38, 1-based): chr17:80,105,057, C deleted; the last of 5 consecutive C bases (chr17:80,105,053-80,105,057); deleting any one gives the same sequence. VCF-style (leftmost placement, unchanged base first): chr17-80105052-AC-A. GRCh37 (hg19) VCF-style: chr17-78078851-AC-A.
Other names: c.471del, p.Thr158fs (NM_001079803.3, NM_001079804.3); c.471del (LRG_673t1); c.471delC (NM_000152.3); short protein forms T158fs.
Identifiers: ClinVar variation 371501 (VCV000371501.16), dbSNP rs1057517320, ClinGen allele CA16041883.